The following is an entry in ClinVar:

ClinVar aggregate classification (germline): Uncertain significance (1 of 4 stars; one submission).

Conditions:
Basal cell nevus syndrome 1 (BCNS1). Also called: GORLIN-GOLTZ SYNDROME; MULTIPLE BASAL CELL NEVI, ODONTOGENIC KERATOCYSTS, AND SKELETAL ANOMALIES. Identifiers: MedGen CN376810, MONDO:0958174, OMIM 109400.

Submission:

3billion
Classification: Uncertain significance for Basal cell nevus syndrome 1. Last evaluated: 2024-11-27. Review status: criteria provided, single submitter. Criteria: ACMG Guidelines, 2015. Collection method: clinical testing. Allele origin: germline. Affected: yes.
Comment: The variant is not observed in the gnomAD v4.1.0 dataset. Predicted Consequence/Location: Inframe deletion located in a nonrepeat region: predicted to change the length of the protein and disrupt normal protein function. Therefore, this variant is classified as VUS according to the recommendation of ACMG/AMP guideline.

NM_000264.5(PTCH1):c.1414_1425del (p.Ala472_Leu475del)

Gene: PTCH1 (patched 1; minus strand). Cytogenetic location: 9q22.32.
Variant type: Deletion.
Coding change: c.1414_1425del on transcript NM_000264.5 (MANE Select); coding-DNA positions 1414 to 1425, 12 bases deleted (GCTGGCGTCCTG).
Protein change: p.Ala472_Leu475del.
Molecular consequence: inframe deletion. On other transcripts: non-coding transcript variant (1), intron variant (1).
Genome position (GRCh38, 1-based): chr9:95,477,625-95,477,636, CAGGACGCCAGC deleted on the plus strand (GCTGGCGTCCTG on the coding strand, the reverse complement: PTCH1 is on the minus strand); deleting any 12 consecutive bases within chr9:95,477,625-95,477,639 gives the same sequence; the c. name uses the placement nearest the transcript's 3' end. VCF-style (leftmost placement, unchanged base first): chr9-95477624-GCAGGACGCCAGC-G. GRCh37 (hg19) VCF-style: chr9-98239906-GCAGGACGCCAGC-G.
Other names: c.1216_1227del, p.Ala406_Leu409del (NM_001083602.3); c.1411_1422del, p.Ala471_Leu474del (NM_001083603.3); c.961_972del, p.Ala321_Leu324del (NM_001083604.3, NM_001083605.3, NM_001083606.3 and 1 more transcripts); c.1347+419_1347+430del (NM_001354918.2).
Identifiers: ClinVar variation 4293991 (VCV004293991.1).